The following is an entry in ClinVar:

NM_002303.6(LEPR):c.2673+3151G>C

Gene: LEPR (leptin receptor; plus strand). Cytogenetic location: 1p31.3.
Variant type: single nucleotide variant.
Coding change: c.2673+3151G>C on transcript NM_002303.6 (MANE Select); 3151 bases into the intron after coding-DNA position 2673, G replaced by C.
Molecular consequence: intron variant. On other transcripts: missense variant (1).
Genome position (GRCh38, 1-based): chr1:65,626,132, G>C. VCF-style: chr1-65626132-G-C. GRCh37 (hg19) VCF-style: chr1-66091815-G-C.
Other names: c.2683G>C, p.Gly895Arg (NM_001198688.1); c.2673+3151G>C (NM_001003679.3, NM_001003680.3, NM_001198689.2 and 1 more transcripts); short protein forms G895R.
Identifiers: ClinVar variation 4981937 (VCV004981937.1).
Genomic context (GRCh38, chr1:65,626,132, plus strand): 5'-ATCAGCAAAATGCAGTTTAAACCTGCAGCAAATTATTTTTCCCTTTTCCAGAAAATGCCT[G>C]GCACAAAGGAACTACTGGGTGGAGGTTGGTTGACTTAGGAAATGCTTGTAGACTACGTCC-3'

ClinVar aggregate classification (germline): Uncertain significance (1 of 4 stars; one submission).

Conditions:
LEPR-related disorder. Also called: LEPR-related disorders; LEPR-related condition.

Submission:

PreventionGenetics, part of Exact Sciences
Classification: Uncertain significance for LEPR-related condition. Last evaluated: 2025-04-14. Review status: criteria provided, single submitter. Criteria: ACMG Guidelines, 2015. Collection method: clinical testing. Allele origin: germline.
Comment: The LEPR c.2683G>C variant is predicted to result in the amino acid substitution p.Gly895Arg. This variant in intronic in the canonical transcript NM_002303:c.2673+3151G>C. To our knowledge, this variant has not been reported in the literature or in a large population database (gnomAD), indicating this variant is rare. At this time, the clinical significance of this variant is uncertain due to the absence of conclusive functional and genetic evidence.